The following is an entry in ClinVar:

NM_183235.3(RAB27A):c.445A>G (p.Ile149Val)

Gene: RAB27A (RAB27A, member RAS oncogene family; minus strand). Cytogenetic location: 15q21.3.
Variant type: single nucleotide variant.
Coding change: c.445A>G on transcript NM_183235.3 (MANE Select); coding-DNA position 445, A replaced by G.
Protein change: p.Ile149Val; replaces isoleucine 149 with valine.
Molecular consequence: missense variant.
Genome position (GRCh38, 1-based): chr15:55,223,911, T>C on the plus strand (A>G on the coding strand, the complement: RAB27A is on the minus strand). VCF-style: chr15-55223911-T-C. GRCh37 (hg19) VCF-style: chr15-55516109-T-C.
Other names: c.445A>G, p.Ile149Val (NM_183236.3, NM_004580.5, NM_183234.3); c.445A>G (NM_004580.4); short protein forms I149V.
Identifiers: ClinVar variation 1504505 (VCV001504505.9), dbSNP rs1197622697, ClinGen allele CA392529545.

ClinVar aggregate classification (germline): Conflicting classifications of pathogenicity. Review status: criteria provided, conflicting classifications (1 of 4 stars). 2 submissions from 2 submitters: Uncertain significance (1); Likely benign (1). Last evaluated 2025-11-30.

Conditions:
Inborn genetic diseases. Identifiers: MedGen C0950123, MeSH D030342.
Griscelli syndrome type 2 (GS2). Also called: PAID SYNDROME; PARTIAL ALBINISM AND IMMUNODEFICIENCY SYNDROME; GRISCELLI SYNDROME WITH HEMOPHAGOCYTIC SYNDROME. Identifiers: Orphanet 381, Orphanet 79477, MedGen C1868679, MONDO:0011872, OMIM 607624.

Allele frequency attached by ClinVar (database versions not stated): gnomAD exomes below 0.00001.
gnomAD v4.1: 2 of 1,613,926 alleles (0.00012%); highest among the groups gnomAD compares: East Asian, 0.0022%; no homozygotes.

Submissions (2):

Labcorp Genetics (formerly Invitae), Labcorp
Classification: Uncertain significance for Griscelli syndrome type 2. Last evaluated: 2025-11-30. Review status: criteria provided, single submitter. Criteria: Invitae Variant Classification Sherloc (09022015). Collection method: clinical testing. Allele origin: germline.
Comment: This sequence change replaces isoleucine, which is neutral and non-polar, with valine, which is neutral and non-polar, at codon 149 of the RAB27A protein (p.Ile149Val). This variant is present in population databases (no rsID available, gnomAD 0.006%). This variant has not been reported in the literature in individuals affected with RAB27A-related conditions. ClinVar contains an entry for this variant (Variation ID: 1504505). Invitae Evidence Modeling of protein sequence and biophysical properties (such as structural, functional, and spatial information, amino acid conservation, physicochemical variation, residue mobility, and thermodynamic stability) indicates that this missense variant is not expected to disrupt RAB27A protein function with a negative predictive value of 95%. In summary, the available evidence is currently insufficient to determine the role of this variant in disease. Therefore, it has been classified as a Variant of Uncertain Significance.

Ambry Genetics
Classification: Likely benign for Inborn genetic diseases. Last evaluated: 2025-10-22. Review status: criteria provided, single submitter. Criteria: Ambry Variant Classification Scheme 2023. Collection method: clinical testing. Allele origin: germline.